The following is an entry in ClinVar:

ClinVar aggregate classification (germline): Uncertain significance. Review status: criteria provided, multiple submitters, no conflicts (2 of 4 stars). 2 submissions from 2 submitters: Uncertain significance (2). Last evaluated 2023-08-22.

Conditions:
Inborn genetic diseases. Identifiers: MedGen C0950123, MeSH D030342.
Glycogen storage disease IXb (GSD9B). Also called: GLYCOGENOSIS OF LIVER AND MUSCLE, AUTOSOMAL RECESSIVE; GSD IXb; PHOSPHORYLASE KINASE DEFICIENCY OF LIVER AND MUSCLE, AUTOSOMAL RECESSIVE. Identifiers: Orphanet 79240, MedGen C0543514, MONDO:0009868, OMIM 261750.

Allele frequency attached by ClinVar (database versions not stated): TOPMed 0.00001; ExAC 0.00002; ESP Exome Variant Server 0.00008.
gnomAD v4.1: 29 of 1,593,868 alleles (0.0018%); highest among the groups gnomAD compares: Non-Finnish European, 0.0023%; no homozygotes.

Submissions (2):

Ambry Genetics
Classification: Uncertain significance for Inborn genetic diseases. Last evaluated: 2023-08-22. Review status: criteria provided, single submitter. Criteria: Ambry Variant Classification Scheme 2023. Collection method: clinical testing. Allele origin: germline.

Labcorp Genetics (formerly Invitae), Labcorp
Classification: Uncertain significance for Glycogen storage disease IXb. Last evaluated: 2022-07-27. Review status: criteria provided, single submitter. Criteria: Invitae Variant Classification Sherloc (09022015). Collection method: clinical testing. Allele origin: germline.
Comment: This sequence change replaces tyrosine, which is neutral and polar, with cysteine, which is neutral and slightly polar, at codon 513 of the PHKB protein (p.Tyr513Cys). This variant is present in population databases (rs143884635, gnomAD 0.002%). This variant has not been reported in the literature in individuals affected with PHKB-related conditions. Algorithms developed to predict the effect of missense changes on protein structure and function (SIFT, PolyPhen-2, Align-GVGD) all suggest that this variant is likely to be disruptive. In summary, the available evidence is currently insufficient to determine the role of this variant in disease. Therefore, it has been classified as a Variant of Uncertain Significance.

NM_000293.3(PHKB):c.1538A>G (p.Tyr513Cys)

Gene: PHKB (phosphorylase kinase regulatory subunit beta; plus strand). Cytogenetic location: 16q12.1.
Variant type: single nucleotide variant.
Coding change: c.1538A>G on transcript NM_000293.3 (MANE Select); coding-DNA position 1538, A replaced by G.
Protein change: p.Tyr513Cys; replaces tyrosine 513 with cysteine.
Molecular consequence: missense variant.
Genome position (GRCh38, 1-based): chr16:47,641,622, A>G. VCF-style: chr16-47641622-A-G. GRCh37 (hg19) VCF-style: chr16-47675533-A-G.
Other names: c.1517A>G, p.Tyr506Cys (NM_001031835.3); c.1538A>G, p.Tyr513Cys (NM_001363837.1); c.1538A>G (NM_000293.2); short protein forms Y513C, Y506C.
Identifiers: ClinVar variation 2147485 (VCV002147485.3), dbSNP rs143884635, ClinGen allele CA8040875.